The following is an entry in ClinVar:

NM_001009999.3(KDM1A):c.2410A>G (p.Ile804Val)

Gene: KDM1A (lysine demethylase 1A; plus strand). Cytogenetic location: 1p36.12.
Variant type: single nucleotide variant.
Coding change: c.2410A>G on transcript NM_001009999.3 (MANE Select); coding-DNA position 2410, A replaced by G.
Protein change: p.Ile804Val; replaces isoleucine 804 with valine.
Molecular consequence: missense variant.
Genome position (GRCh38, 1-based): chr1:23,082,331, A>G. VCF-style: chr1-23082331-A-G. GRCh37 (hg19) VCF-style: chr1-23408824-A-G.
Other names: c.2356A>G, p.Ile786Val (NM_001363654.2); c.2416A>G, p.Ile806Val (NM_001410762.1); c.2338A>G, p.Ile780Val (NM_001410763.1, NM_015013.4); short protein forms I786V, I806V, I780V, I804V.
Identifiers: ClinVar variation 4736723 (VCV004736723.1).
Genomic context (GRCh38, chr1:23,082,331, plus strand): 5'-TCTTATTCCTATGTTGCTGCAGGATCATCTGGAAATGACTATGATTTAATGGCTCAGCCA[A>G]TCACTCCTGGCCCCTCGATTCCAGGTGCCCCACAGGTGAGAAGCTGGCAAACTATCTGGG-3'
Protein context (NP_001009999.1, residues 794-814): GNDYDLMAQP[Ile804Val]TPGPSIPGAP

ClinVar aggregate classification (germline): Uncertain significance (1 of 4 stars; one submission).

gnomAD v4.1: 23 of 1,613,770 alleles (0.0014%); highest among the groups gnomAD compares: South Asian, 0.0088%; no homozygotes.

Submission:

Labcorp Genetics (formerly Invitae), Labcorp
Classification: Uncertain significance. Last evaluated: 2026-01-07. Review status: criteria provided, single submitter. Criteria: Invitae Variant Classification Sherloc (09022015). Collection method: clinical testing. Allele origin: germline.
Comment: This sequence change replaces isoleucine, which is neutral and non-polar, with valine, which is neutral and non-polar, at codon 804 of the KDM1A protein (p.Ile804Val). This variant is present in population databases (rs773927280, gnomAD 0.01%). This variant has not been reported in the literature in individuals affected with KDM1A-related conditions. Invitae Evidence Modeling of protein sequence and biophysical properties (such as structural, functional, and spatial information, amino acid conservation, physicochemical variation, residue mobility, and thermodynamic stability) indicates that this missense variant is not expected to disrupt KDM1A protein function with a negative predictive value of 80%. In summary, the available evidence is currently insufficient to determine the role of this variant in disease. Therefore, it has been classified as a Variant of Uncertain Significance.